The following is an entry in ClinVar:

NM_001572.5(IRF7):c.827G>A (p.Ser276Asn)

Gene: IRF7 (interferon regulatory factor 7; minus strand). Cytogenetic location: 11p15.5.
Variant type: single nucleotide variant.
Coding change: c.827G>A on transcript NM_001572.5 (MANE Select); coding-DNA position 827, G replaced by A.
Protein change: p.Ser276Asn; replaces serine 276 with asparagine.
Molecular consequence: missense variant.
Genome position (GRCh38, 1-based): chr11:613,805, C>T on the plus strand (G>A on the coding strand, the complement: IRF7 is on the minus strand). VCF-style: chr11-613805-C-T. GRCh37 (hg19) VCF-style: chr11-613805-C-T.
Other names: c.740G>A, p.Ser247Asn (NM_004029.4); c.866G>A, p.Ser289Asn (NM_004031.4); c.866G>A (NM_004031.2); short protein forms S289N, S247N, S276N.
Identifiers: ClinVar variation 1414404 (VCV001414404.9), dbSNP rs761685941, ClinGen allele CA5783729.

ClinVar aggregate classification (germline): Uncertain significance. Review status: criteria provided, multiple submitters, no conflicts (2 of 4 stars). 2 submissions from 2 submitters: Uncertain significance (2). Last evaluated 2023-06-02.

Conditions:
Immunodeficiency 39 (IMD39). Identifiers: Orphanet 574918, MedGen C4225358, MONDO:0014597, OMIM 616345.

Allele frequency attached by ClinVar (database versions not stated): TOPMed below 0.00001; gnomAD exomes 0.00001; ExAC 0.00004.
gnomAD v4.1: 15 of 1,574,286 alleles (0.00095%); highest among the groups gnomAD compares: East Asian, 0.023%; no homozygotes.

Submissions (2):

Ambry Genetics
Classification: Uncertain significance. Last evaluated: 2023-06-02. Review status: criteria provided, single submitter. Criteria: Ambry Variant Classification Scheme 2023. Collection method: clinical testing. Allele origin: germline.

Labcorp Genetics (formerly Invitae), Labcorp
Classification: Uncertain significance for Immunodeficiency 39. Last evaluated: 2022-09-21. Review status: criteria provided, single submitter. Criteria: Invitae Variant Classification Sherloc (09022015). Collection method: clinical testing. Allele origin: germline.
Comment: In summary, the available evidence is currently insufficient to determine the role of this variant in disease. Therefore, it has been classified as a Variant of Uncertain Significance. Advanced modeling of protein sequence and biophysical properties (such as structural, functional, and spatial information, amino acid conservation, physicochemical variation, residue mobility, and thermodynamic stability) performed at Invitae indicates that this missense variant is not expected to disrupt IRF7 protein function. ClinVar contains an entry for this variant (Variation ID: 1414404). This variant has not been reported in the literature in individuals affected with IRF7-related conditions. The frequency data for this variant in the population databases is considered unreliable, as metrics indicate poor data quality at this position in the gnomAD database. This sequence change replaces serine, which is neutral and polar, with asparagine, which is neutral and polar, at codon 289 of the IRF7 protein (p.Ser289Asn).